The following is an entry in ClinVar:

GRCh37/hg19 15q13.3(chr15:32020066-32514341)x3

Gene: CHRNA7 (cholinergic receptor nicotinic alpha 7 subunit). Cytogenetic location: 15q13.3.
Variant type: copy number gain.
Change: copy number 3 (three copies instead of two) of chr15:32,020,066-32,514,341 (494.3 kb, GRCh37 coordinates, 1-based), cytogenetic band 15q13.3.
Identifiers: ClinVar variation 638122 (VCV000638122.2).

ClinVar aggregate classification (germline): Pathogenic (1 of 4 stars; one submission).

Submission:

Clinical Genomics Laboratory, Laboratory for Precision Diagnostics, University of Washington
Classification: Pathogenic. Last evaluated: 2018-10-15. Review status: criteria provided, single submitter. Criteria: Clinical Cytogenomics Laboratory Policy on CNV Interpretation. Collection method: clinical testing. Allele origin: unknown. Affected: yes. Observed: 1 variant allele.
Comment: a risk factor for neurocognitive abnormalities with low penetrance and variable expressivity

Literature cited by the submitters: PubMed 29129316; PubMed 27853923; PubMed 26095975; PubMed 24424125; PubMed 20506139.